The following is an entry in ClinVar:

ClinVar aggregate classification (germline): Benign (1 of 4 stars; one submission).

Conditions:
Atypical hemolytic-uremic syndrome. Identifiers: Orphanet 2134, MedGen C2931788, MONDO:0016244.
Basal laminar drusen. Also called: DRUSEN OF BRUCH MEMBRANE; DRUSEN, CUTICULAR; DRUSEN, EARLY ADULT-ONSET, GROUPED. Identifiers: Orphanet 75376, MedGen C0730295, MONDO:0007472, OMIM 126700.
Factor H deficiency (CFHD). Also called: COMPLEMENT FACTOR H DEFICIENCY; CFH DEFICIENCY. Identifiers: Orphanet 200421, MedGen C0398777, MONDO:0012350, OMIM 609814.
Age related macular degeneration 4. Identifiers: MedGen C1853147, MONDO:0012540, OMIM 610698.

gnomAD v4.1: 69,778 of 152,002 alleles (46%); highest among the groups gnomAD compares: South Asian, 56%; 16,344 homozygotes.

Submission:

Genomenon, Inc
Classification: Benign for Basal laminar drusen; Age related macular degeneration 4; Atypical hemolytic-uremic syndrome; Factor H deficiency. Last evaluated: 2025-10-02. Review status: criteria provided, single submitter. Criteria: Genomenon Sequence Variant Interpretation Standards - Updated. Collection method: curation. Allele origin: germline. Affected: no.
Comment: CFH c.2237-543G>A is a deep intronic variant located in intron 14. This variant is present at high allele frequency in population databases. In conclusion, we classify CFH c.2237-543G>A as a benign variant.

NM_000186.4(CFH):c.2237-543G>A

Gene: CFH (complement factor H; plus strand). Cytogenetic location: 1q31.3.
Variant type: single nucleotide variant.
Coding change: c.2237-543G>A on transcript NM_000186.4 (MANE Select); 543 bases into the intron before coding-DNA position 2237, G replaced by A.
Molecular consequence: intron variant.
Genome position (GRCh38, 1-based): chr1:196,727,803, G>A. VCF-style: chr1-196727803-G-A. GRCh37 (hg19) VCF-style: chr1-196696933-G-A.
Identifiers: ClinVar variation 4291459 (VCV004291459.1).